The following is an entry in ClinVar:

NM_020738.4(KIDINS220):c.397A>G (p.Thr133Ala)

Gene: KIDINS220 (kinase D interacting substrate 220; minus strand). Cytogenetic location: 2p25.1.
Variant type: single nucleotide variant.
Coding change: c.397A>G on transcript NM_020738.4 (MANE Select); coding-DNA position 397, A replaced by G.
Protein change: p.Thr133Ala; replaces threonine 133 with alanine.
Molecular consequence: missense variant. On other transcripts: non-coding transcript variant (2).
Genome position (GRCh38, 1-based): chr2:8,813,245, T>C on the plus strand (A>G on the coding strand, the complement: KIDINS220 is on the minus strand). VCF-style: chr2-8813245-T-C. GRCh37 (hg19) VCF-style: chr2-8953375-T-C.
Other names: c.397A>G, p.Thr133Ala (NM_001348729.2, NM_001348731.2, NM_001348732.2 and 9 more transcripts); c.271A>G, p.Thr91Ala (NM_001348736.2); short protein forms T133A, T91A.
Identifiers: ClinVar variation 1944906 (VCV001944906.5), dbSNP rs369795631, ClinGen allele CA1520444.

ClinVar aggregate classification (germline): Uncertain significance (1 of 4 stars; one submission).

Allele frequency attached by ClinVar (database versions not stated): gnomAD exomes below 0.00001; ExAC 0.00001; gnomAD 0.00001; TOPMed 0.00001; ESP Exome Variant Server 0.00008.
gnomAD v4.1: 3 of 1,611,058 alleles (0.00019%); highest among the groups gnomAD compares: Non-Finnish European, 0.00025%; no homozygotes.

Submission:

Labcorp Genetics (formerly Invitae), Labcorp
Classification: Uncertain significance. Last evaluated: 2022-02-09. Review status: criteria provided, single submitter. Criteria: Invitae Variant Classification Sherloc (09022015). Collection method: clinical testing. Allele origin: germline.
Comment: This sequence change replaces threonine, which is neutral and polar, with alanine, which is neutral and non-polar, at codon 133 of the KIDINS220 protein (p.Thr133Ala). This variant is present in population databases (rs369795631, gnomAD 0.002%). This variant has not been reported in the literature in individuals affected with KIDINS220-related conditions. Algorithms developed to predict the effect of missense changes on protein structure and function are either unavailable or do not agree on the potential impact of this missense change (SIFT: "Tolerated"; PolyPhen-2: "Probably Damaging"; Align-GVGD: "Class C0"). In summary, the available evidence is currently insufficient to determine the role of this variant in disease. Therefore, it has been classified as a Variant of Uncertain Significance.